The following is an entry in ClinVar:

NM_000455.5(STK11):c.49C>G (p.Leu17Val)

Gene: STK11 (serine/threonine kinase 11; plus strand). Cytogenetic location: 19p13.3.
Variant type: single nucleotide variant.
Coding change: c.49C>G on transcript NM_000455.5 (MANE Select); coding-DNA position 49, C replaced by G.
Protein change: p.Leu17Val; replaces leucine 17 with valine.
Molecular consequence: missense variant.
Genome position (GRCh38, 1-based): chr19:1,206,962, C>G. VCF-style: chr19-1206962-C-G. GRCh37 (hg19) VCF-style: chr19-1206961-C-G.
Other names: short protein forms L17V.
Identifiers: ClinVar variation 458049 (VCV000458049.25), dbSNP rs780581573, ClinGen allele CA047985.
Genomic context (GRCh38, chr19:1,206,962, plus strand): 5'-CCTGGGTCCAGCATGGAGGTGGTGGACCCGCAGCAGCTGGGCATGTTCACGGAGGGCGAG[C>G]TGATGTCGGTGGGTATGGACACGTTCATCCACCGCATCGACTCCACCGAGGTCATCTACC-3'
Protein context (NP_000446.1, residues 7-27): QQLGMFTEGE[Leu17Val]MSVGMDTFIH

ClinVar aggregate classification (germline): Uncertain significance. Review status: criteria provided, multiple submitters, no conflicts (2 of 4 stars). 8 submissions from 8 submitters: Uncertain significance (7). 1 of the submissions does not count toward it. Last evaluated 2025-10-23.

Conditions:
Peutz-Jeghers syndrome (PJS). Also called: POLYPOSIS, HAMARTOMATOUS INTESTINAL; POLYPS-AND-SPOTS SYNDROME; Peutz-Jeghers polyposis; Periorificial lentiginosis syndrome. Identifiers: Orphanet 2869, MedGen C0031269, MeSH D010580, MONDO:0008280, OMIM 175200.
Hereditary cancer-predisposing syndrome. Also called: Neoplastic Syndromes, Hereditary; Tumor predisposition; Hereditary neoplastic syndrome; Hereditary Cancer Syndrome. Identifiers: Orphanet 140162, MedGen C0027672, MeSH D009386, MONDO:0015356.
STK11-related disorder. Also called: STK11-related condition.
Melanoma, cutaneous malignant, susceptibility to, 1 (CMM1). Also called: MELANOMA, MALIGNANT; DYSPLASTIC NEVUS SYNDROME, HEREDITARY; FAMILIAL ATYPICAL MOLE-MALIGNANT MELANOMA SYNDROME; B-K MOLE SYNDROME. Identifiers: Orphanet 618, MedGen C1835047, MONDO:0007963, OMIM 155600.

Allele frequency attached by ClinVar (database versions not stated): gnomAD exomes below 0.00001; gnomAD 0.00001; ExAC 0.00001.
gnomAD v4.1: 3 of 1,609,476 alleles (0.00019%); highest among the groups gnomAD compares: African/African-American, 0.0027%; no homozygotes.

Submissions (8):

Labcorp Genetics (formerly Invitae), Labcorp
Classification: Uncertain significance for Peutz-Jeghers syndrome. Last evaluated: 2025-10-23. Review status: criteria provided, single submitter. Criteria: Invitae Variant Classification Sherloc (09022015). Collection method: clinical testing. Allele origin: germline.
Comment: This sequence change replaces leucine, which is neutral and non-polar, with valine, which is neutral and non-polar, at codon 17 of the STK11 protein (p.Leu17Val). This variant is present in population databases (rs780581573, gnomAD 0.009%). This variant has not been reported in the literature in individuals affected with STK11-related conditions. ClinVar contains an entry for this variant (Variation ID: 458049). Invitae Evidence Modeling of protein sequence and biophysical properties (such as structural, functional, and spatial information, amino acid conservation, physicochemical variation, residue mobility, and thermodynamic stability) has been performed for this missense variant. However, the output from this modeling did not meet the statistical confidence thresholds required to predict the impact of this variant on STK11 protein function. In summary, the available evidence is currently insufficient to determine the role of this variant in disease. Therefore, it has been classified as a Variant of Uncertain Significance.

Dasa
Classification: Uncertain significance. Last evaluated: 2025-05-21. Review status: criteria provided, single submitter. Criteria: DASA Assertion Criteria. Collection method: clinical testing. Allele origin: germline.
Comment: NM_000455.5(STK11):c.49C>G (p.Leu17Val) is a missense variant that results in the substitution of leucine with valine. This variant is rare in population databases. Computational prediction algorithms are consistent with a benign effect. The currently available literature and clinical evidence are not sufficient to establish a definitive association between this variant and the reported condition. Therefore, this variant is classified as a variant of uncertain significance.

Ambry Genetics
Classification: Uncertain significance for Hereditary cancer-predisposing syndrome. Last evaluated: 2024-12-25. Review status: criteria provided, single submitter. Criteria: Ambry Variant Classification Scheme 2023. Collection method: clinical testing. Allele origin: germline.
Comment: The p.L17V variant (also known as c.49C>G), located in coding exon 1 of the STK11 gene, results from a C to G substitution at nucleotide position 49. The leucine at codon 17 is replaced by valine, an amino acid with highly similar properties. This amino acid position is highly conserved in available vertebrate species. In addition, this alteration is predicted to be tolerated by in silico analysis. Since supporting evidence is limited at this time, the clinical significance of this alteration remains unclear.

All of Us Research Program, National Institutes of Health
Classification: Uncertain significance for Peutz-Jeghers syndrome. Last evaluated: 2024-04-16. Review status: criteria provided, single submitter. Criteria: ACMG Guidelines, 2015. Collection method: clinical testing. Allele origin: germline. Inheritance: Autosomal dominant inheritance. Observed: 2 variant alleles, 2 heterozygotes.
Comment: This missense variant replaces leucine with valine at codon 17 of the STK11 protein. Computational prediction suggests that this variant may not impact protein structure and function. To our knowledge, functional studies have not been reported for this variant. This variant has not been reported in individuals affected with STK11-related disorders in the literature. This variant has been identified in 2/269894 chromosomes in the general population by the Genome Aggregation Database (gnomAD). The available evidence is insufficient to determine the role of this variant in disease conclusively. Therefore, this variant is classified as a Variant of Uncertain Significance.

This study involves interpretation of variants in research participants for the purpose of population health screening. Participant phenotype was not available at the time of variant classification. Additional details can be found in publication PMID: 35346344, PMCID: PMC8962531

Color Diagnostics, LLC DBA Color Health
Classification: Uncertain significance for Hereditary cancer-predisposing syndrome. Last evaluated: 2024-03-28. Review status: criteria provided, single submitter. Criteria: ACMG Guidelines, 2015. Collection method: clinical testing. Allele origin: germline.
Comment: This missense variant replaces leucine with valine at codon 17 of the STK11 protein. Computational prediction suggests that this variant may not impact protein structure and function. To our knowledge, functional studies have not been reported for this variant. This variant has not been reported in individuals affected with STK11-related disorders in the literature. This variant has been identified in 2/269894 chromosomes in the general population by the Genome Aggregation Database (gnomAD). The available evidence is insufficient to determine the role of this variant in disease conclusively. Therefore, this variant is classified as a Variant of Uncertain Significance.

Baylor Genetics
Classification: Uncertain significance for Melanoma, cutaneous malignant, susceptibility to, 1. Last evaluated: 2024-02-22. Review status: criteria provided, single submitter. Criteria: ACMG Guidelines, 2015. Collection method: clinical testing. Allele origin: unknown.

Genome-Nilou Lab
Classification: Uncertain significance for Peutz-Jeghers syndrome. Last evaluated: 2021-07-15. Review status: criteria provided, single submitter. Criteria: ACMG Guidelines, 2015. Collection method: clinical testing. Allele origin: germline. Affected: no.

PreventionGenetics, part of Exact Sciences
Classification: Uncertain significance for STK11-related condition. Last evaluated: 2024-02-27. Review status: no assertion criteria provided. Collection method: clinical testing. Allele origin: germline. Not counted in ClinVar's aggregate classification.
Comment: The STK11 c.49C>G variant is predicted to result in the amino acid substitution p.Leu17Val. To our knowledge, this variant has not been reported in the literature. This variant is reported in 0.0088% of alleles in individuals of African descent in gnomAD. This variant is interpreted as a variant of uncertain significance in ClinVar. At this time, the clinical significance of this variant is uncertain due to the absence of conclusive functional and genetic evidence.